The following is an entry in ClinVar:

ClinVar aggregate classification (germline): Pathogenic (1 of 4 stars; one submission).

gnomAD v4.1: 1 of 1,613,846 alleles (0.000062%); highest among the groups gnomAD compares: Non-Finnish European, 0.000085%; no homozygotes.

Submission:

GeneDx
Classification: Pathogenic. Last evaluated: 2025-06-11. Review status: criteria provided, single submitter. Criteria: GeneDx Variant Classification Process June 2021. Collection method: clinical testing. Allele origin: germline. Affected: yes.
Comment: Nonsense variant predicted to result in protein truncation or nonsense mediated decay in a gene for which loss of function is a known mechanism of disease; Not observed at significant frequency in large population cohorts (gnomAD); Has not been previously published as pathogenic or benign to our knowledge

NM_005862.3(STAG1):c.3616C>T (p.Arg1206Ter)

Gene: STAG1 (STAG1 cohesin complex component; minus strand). Cytogenetic location: 3q22.3.
Variant type: single nucleotide variant.
Coding change: c.3616C>T on transcript NM_005862.3 (MANE Select); coding-DNA position 3616, C replaced by T.
Protein change: p.Arg1206Ter; replaces arginine 1206 with a stop codon.
Molecular consequence: nonsense.
Genome position (GRCh38, 1-based): chr3:136,340,547, G>A on the plus strand (C>T on the coding strand, the complement: STAG1 is on the minus strand). VCF-style: chr3-136340547-G-A. GRCh37 (hg19) VCF-style: chr3-136059389-G-A.
Other names: short protein forms R1206*.
Identifiers: ClinVar variation 4537876 (VCV004537876.1).